The following is an entry in ClinVar:

NM_003628.6(PKP4):c.1271T>C (p.Val424Ala)

Gene: PKP4 (plakophilin 4; plus strand). Cytogenetic location: 2q24.1.
Variant type: single nucleotide variant.
Coding change: c.1271T>C on transcript NM_003628.6 (MANE Select); coding-DNA position 1271, T replaced by C.
Protein change: p.Val424Ala; replaces valine 424 with alanine.
Molecular consequence: missense variant.
Genome position (GRCh38, 1-based): chr2:158,631,870, T>C. VCF-style: chr2-158631870-T-C. GRCh37 (hg19) VCF-style: chr2-159488382-T-C.
Other names: c.1271T>C, p.Val424Ala (NM_001005476.4, NM_001304969.3, NM_001304971.2 and 6 more transcripts); c.245T>C, p.Val82Ala (NM_001304970.3); c.1265T>C, p.Val422Ala (NM_001377222.1, NM_001377223.1, NM_001377224.1); short protein forms V422A, V424A, V82A.
Identifiers: ClinVar variation 4138152 (VCV004138152.1).

ClinVar aggregate classification (germline): Uncertain significance (1 of 4 stars; one submission).

gnomAD v4.1: 1 of 1,614,174 alleles (0.000062%); highest among the groups gnomAD compares: East Asian, 0.0022%; no homozygotes.

Submission:

Ambry Genetics
Classification: Uncertain significance. Last evaluated: 2025-07-24. Review status: criteria provided, single submitter. Criteria: Ambry Variant Classification Scheme 2023. Collection method: clinical testing. Allele origin: germline.
Comment: The p.V424A variant (also known as c.1271T>C), located in coding exon 7 of the PKP4 gene, results from a T to C substitution at nucleotide position 1271. The valine at codon 424 is replaced by alanine, an amino acid with similar properties. This amino acid position is conserved. In addition, this alteration is predicted to be tolerated by in silico analysis. Based on the available evidence, the clinical significance of this variant remains unclear.